The following is an entry in ClinVar:

NM_000051.4(ATM):c.5495A>G (p.Glu1832Gly)

Gene: ATM (ATM serine/threonine kinase; plus strand). Cytogenetic location: 11q22.3.
Variant type: single nucleotide variant.
Coding change: c.5495A>G on transcript NM_000051.4 (MANE Select); coding-DNA position 5495, A replaced by G.
Protein change: p.Glu1832Gly; replaces glutamic acid 1832 with glycine.
Molecular consequence: missense variant.
Genome position (GRCh38, 1-based): chr11:108,303,028, A>G. VCF-style: chr11-108303028-A-G. GRCh37 (hg19) VCF-style: chr11-108173755-A-G.
Other names: c.5495A>G, p.Glu1832Gly (NM_001351834.2); short protein forms E1832G.
Identifiers: ClinVar variation 5032327 (VCV005032327.1).

ClinVar aggregate classification (germline): Uncertain significance (1 of 4 stars; one submission).

Conditions:
Hereditary cancer-predisposing syndrome. Also called: Neoplastic Syndromes, Hereditary; Tumor predisposition; Hereditary neoplastic syndrome; Hereditary Cancer Syndrome. Identifiers: Orphanet 140162, MedGen C0027672, MeSH D009386, MONDO:0015356.

Submission:

Ambry Genetics
Classification: Uncertain significance for Hereditary cancer-predisposing syndrome. Last evaluated: 2026-09-14. Review status: criteria provided, single submitter. Criteria: Ambry Variant Classification Scheme 2023. Collection method: clinical testing. Allele origin: germline.
Comment: The p.E1832G variant (also known as c.5495A>G), located in coding exon 35 of the ATM gene, results from an A to G substitution at nucleotide position 5495. The glutamic acid at codon 1832 is replaced by glycine, an amino acid with similar properties. This variant has imputed functional data, which does not provide evidence toward classification at this time (Lee KS et al. Cell. 2025 Sep;188:5081-5099.e27). This amino acid position is highly conserved in available vertebrate species. In addition, the in silico prediction for this alteration is inconclusive. Based on the available evidence, the clinical significance of this variant remains unclear.

Literature cited by the submitters: PubMed 40580951.